The following is an entry in ClinVar:

ClinVar aggregate classification (germline): Uncertain significance (1 of 4 stars; one submission).

Conditions:
MEGF8-related Carpenter syndrome. Also called: Carpenter syndrome 2. Identifiers: Orphanet 65759, MedGen C3554247, MONDO:0013998, OMIM 614976.

Allele frequency attached by ClinVar (database versions not stated): gnomAD exomes 0.00001 and 0.00004; ExAC 0.00005; gnomAD 0.00011 and 0.00015; TOPMed 0.00011.
gnomAD v4.1: 70 of 1,613,498 alleles (0.0043%); highest among the groups gnomAD compares: African/African-American, 0.029%; no homozygotes.

Submission:

Labcorp Genetics (formerly Invitae), Labcorp
Classification: Uncertain significance for MEGF8-related Carpenter syndrome. Last evaluated: 2021-08-31. Review status: criteria provided, single submitter. Criteria: Invitae Variant Classification Sherloc (09022015). Collection method: clinical testing. Allele origin: germline.
Comment: This sequence change falls in intron 2 of the MEGF8 gene. It does not directly change the encoded amino acid sequence of the MEGF8 protein. It affects a nucleotide within the consensus splice site of the intron. This variant is present in population databases (rs753271808, ExAC 0.03%). This variant has not been reported in the literature in individuals affected with MEGF8-related conditions. Variants that disrupt the consensus splice site are a relatively common cause of aberrant splicing (PMID: 17576681, 9536098). Algorithms developed to predict the effect of sequence changes on RNA splicing suggest that this variant is not likely to affect RNA splicing. In summary, the available evidence is currently insufficient to determine the role of this variant in disease. Therefore, it has been classified as a Variant of Uncertain Significance.

Literature cited by the submitters: PubMed 17576681; PubMed 9536098.

NM_001271938.2(MEGF8):c.351+4A>G

Gene: MEGF8 (multiple EGF like domains 8; plus strand). Cytogenetic location: 19q13.2.
Variant type: single nucleotide variant.
Coding change: c.351+4A>G on transcript NM_001271938.2 (MANE Select); 4 bases into the intron after coding-DNA position 351, A replaced by G.
Molecular consequence: intron variant.
Genome position (GRCh38, 1-based): chr19:42,333,772, A>G. VCF-style: chr19-42333772-A-G. GRCh37 (hg19) VCF-style: chr19-42837924-A-G.
Other names: c.351+4A>G (NM_001410.3).
Identifiers: ClinVar variation 951748 (VCV000951748.6), dbSNP rs753271808, ClinGen allele CA9474132.